The following is an entry in ClinVar:

NM_032790.4(ORAI1):c.499C>T (p.Arg167Cys)

Gene: ORAI1 (ORAI calcium release-activated calcium modulator 1; plus strand). Cytogenetic location: 12q24.31.
Variant type: single nucleotide variant.
Coding change: c.499C>T on transcript NM_032790.4 (MANE Select); coding-DNA position 499, C replaced by T.
Protein change: p.Arg167Cys; replaces arginine 167 with cysteine.
Molecular consequence: missense variant. On other transcripts: non-coding transcript variant (1).
Genome position (GRCh38, 1-based): chr12:121,641,236, C>T. VCF-style: chr12-121641236-C-T. GRCh37 (hg19) VCF-style: chr12-122079142-C-T.
Other names: short protein forms R167C.
Identifiers: ClinVar variation 2934474 (VCV002934474.3), dbSNP rs782538669, ClinGen allele CA6837503.

ClinVar aggregate classification (germline): Uncertain significance (1 of 4 stars; one submission).

Conditions:
Combined immunodeficiency due to ORAI1 deficiency. Also called: IMMUNODEFICIENCY 9. Identifiers: Orphanet 169090, Orphanet 317428, MedGen C2748568, MONDO:0013007, OMIM 612782.
Myopathy, tubular aggregate, 2 (TAM2). Identifiers: MedGen C4014557, MONDO:0014383, OMIM 615883.

Allele frequency attached by ClinVar (database versions not stated): ExAC 0.00001; gnomAD exomes 0.00001.

Submission:

Labcorp Genetics (formerly Invitae), Labcorp
Classification: Uncertain significance for Myopathy, tubular aggregate, 2; Combined immunodeficiency due to ORAI1 deficiency. Last evaluated: 2025-03-25. Review status: criteria provided, single submitter. Criteria: Invitae Variant Classification Sherloc (09022015). Collection method: clinical testing. Allele origin: germline.
Comment: This sequence change replaces arginine, which is basic and polar, with cysteine, which is neutral and slightly polar, at codon 167 of the ORAI1 protein (p.Arg167Cys). This variant is present in population databases (rs782538669, gnomAD 0.006%). This variant has not been reported in the literature in individuals affected with ORAI1-related conditions. ClinVar contains an entry for this variant (Variation ID: 2934474). Experimental studies and prediction algorithms are not available or were not evaluated, and the functional significance of this variant is currently unknown. In summary, the available evidence is currently insufficient to determine the role of this variant in disease. Therefore, it has been classified as a Variant of Uncertain Significance.